The following is an entry in ClinVar:

ClinVar aggregate classification (germline): Uncertain significance (1 of 4 stars; one submission).

gnomAD v4.1: 1 of 1,608,106 alleles (0.000062%); highest among the groups gnomAD compares: Non-Finnish European, 0.000085%; no homozygotes.

Submission:

Ambry Genetics
Classification: Uncertain significance. Last evaluated: 2022-10-08. Review status: criteria provided, single submitter. Criteria: Ambry Variant Classification Scheme 2023. Collection method: clinical testing. Allele origin: germline.
Comment: The p.I2242L variant (also known as c.6724A>C), located in coding exon 23 of the POLQ gene, results from an A to C substitution at nucleotide position 6724. The isoleucine at codon 2242 is replaced by leucine, an amino acid with highly similar properties. This amino acid position is conserved. In addition, this alteration is predicted to be tolerated by in silico analysis. Since supporting evidence is limited at this time, the clinical significance of this alteration remains unclear.

NM_199420.4(POLQ):c.6724A>C (p.Ile2242Leu)

Gene: POLQ (DNA polymerase theta; minus strand). Cytogenetic location: 3q13.33.
Variant type: single nucleotide variant.
Coding change: c.6724A>C on transcript NM_199420.4 (MANE Select); coding-DNA position 6724, A replaced by C.
Protein change: p.Ile2242Leu; replaces isoleucine 2242 with leucine.
Molecular consequence: missense variant.
Genome position (GRCh38, 1-based): chr3:121,468,426, T>G on the plus strand (A>C on the coding strand, the complement: POLQ is on the minus strand). VCF-style: chr3-121468426-T-G. GRCh37 (hg19) VCF-style: chr3-121187273-T-G.
Other names: short protein forms I2242L.
Identifiers: ClinVar variation 1755101 (VCV001755101.2), dbSNP rs532586971, ClinGen allele CA354111830.
Genomic context (GRCh38, chr3:121,468,426, plus strand): 5'-TTGGCATTTTGATTTCAAAATCTCTTGGCACATTCTGAATATTTGGTTCTGTAAAGGTTA[T>G]TCGTCCTAAAATCAAGCAGAATAAAGACATAAAATCAGGAAAAAAAATCTAGTATTTGTC-3'
Protein context (NP_955452.3, residues 2232-2252): VSQSHTATGR[Ile2242Leu]TFTEPNIQNV